The following is an entry in ClinVar:

ClinVar aggregate classification (germline): Likely pathogenic (1 of 4 stars; one submission).

Conditions:
Epiphyseal dysplasia, multiple, 2 (EDM2). Also called: COL9A2-Related Multiple Epiphyseal Dysplasia. Identifiers: MedGen C1838429, MONDO:0010844, OMIM 600204.

Submission:

Clinical Biomedical Laboratory, Shriners Hospital For Children - Canada
Classification: Likely pathogenic for Epiphyseal dysplasia, multiple, 2. Last evaluated: 2025-10-05. Review status: criteria provided, single submitter. Criteria: ACMG Guidelines, 2015. Collection method: clinical testing. Allele origin: germline. Affected: yes.
Comment: This variant is predicted to substitute a proline residue by an arginine residue and introduce a premature stop condon 175 amino acids downstream. This is expected to lead to degradation of the affected transcript and loss of function. Loss of function variants in COL9A2 are an established cause of Multiple epiphyseal dysplasia 2. This variant is absent from the Genome Aggregation Database (v2.1.1).

NM_001852.4(COL9A2):c.1067del (p.Pro356fs)

Gene: COL9A2 (collagen type IX alpha 2 chain; minus strand). Cytogenetic location: 1p34.2.
Variant type: Deletion.
Coding change: c.1067del on transcript NM_001852.4 (MANE Select); coding-DNA position 1067, one base deleted (C; older notation c.1067delC).
Protein change: p.Pro356fs; shifts the reading frame from proline 356.
Molecular consequence: frameshift variant.
Genome position (GRCh38, 1-based): chr1:40,305,755, G deleted on the plus strand (C on the coding strand, the reverse complement: COL9A2 is on the minus strand); the first of 3 consecutive G bases (chr1:40,305,755-40,305,757); deleting any one gives the same sequence. VCF-style (leftmost placement, unchanged base first): chr1-40305754-CG-C. GRCh37 (hg19) VCF-style: chr1-40771426-CG-C.
Other names: short protein forms P356fs.
Identifiers: ClinVar variation 4280632 (VCV004280632.1).
Genomic context (GRCh38, chr1:40,305,754, plus strand): 5'-GTCAGTGCAGGGGGCATTTACCTCTTTCCCAGGGGGACCAGAGAATCCAGGAAGGCCCTG[CG>C]GGCCCGGCTCACCCTGCAGGAAAACAGTTCTCAGGTCAGTCTGGGTGGCCCAGTCAGGCC-3'